The following is an entry in ClinVar:

ClinVar aggregate classification (germline): Likely benign. Review status: criteria provided, single submitter (1 of 4 stars). 2 submissions from 2 submitters: Likely benign (1). 1 of the submissions does not count toward it. Last evaluated 2025-02-17.

Conditions:
SLC34A3-related disorder. Also called: SLC34A3-related condition.

Allele frequency attached by ClinVar (database versions not stated): gnomAD 0.00004; gnomAD exomes 0.00004; ExAC 0.00008.
gnomAD v4.1: 50 of 1,307,604 alleles (0.0038%); highest among the groups gnomAD compares: African/African-American, 0.011%; no homozygotes.

Submissions (2):

Labcorp Genetics (formerly Invitae), Labcorp
Classification: Likely benign. Last evaluated: 2025-02-17. Review status: criteria provided, single submitter. Criteria: Invitae Variant Classification Sherloc (09022015). Collection method: clinical testing. Allele origin: germline.

PreventionGenetics, part of Exact Sciences
Classification: Likely benign for SLC34A3-related condition. Last evaluated: 2019-02-26. Review status: no assertion criteria provided. Collection method: clinical testing. Allele origin: germline. Not counted in ClinVar's aggregate classification.
Comment: This variant is classified as likely benign based on ACMG/AMP sequence variant interpretation guidelines (Richards et al. 2015 PMID: 25741868, with internal and published modifications).

NM_001177316.2(SLC34A3):c.926-57G>A

Gene: SLC34A3 (solute carrier family 34 member 3; plus strand). Cytogenetic location: 9q34.3.
Variant type: single nucleotide variant.
Coding change: c.926-57G>A on transcript NM_001177316.2 (MANE Select); 57 bases into the intron before coding-DNA position 926, G replaced by A.
Molecular consequence: intron variant.
Genome position (GRCh38, 1-based): chr9:137,234,052, G>A. VCF-style: chr9-137234052-G-A. GRCh37 (hg19) VCF-style: chr9-140128504-G-A.
Other names: c.926-57G>A (NM_001177317.2, NM_080877.3, NM_080877.2).
Identifiers: ClinVar variation 1922317 (VCV001922317.7), dbSNP rs747003226, ClinGen allele CA5364688.